The following is an entry in ClinVar:

NM_032737.4(LMNB2):c.805G>A (p.Glu269Lys)

Gene: LMNB2 (lamin B2; minus strand). Cytogenetic location: 19p13.3.
Variant type: single nucleotide variant.
Coding change: c.805G>A on transcript NM_032737.4 (MANE Select); coding-DNA position 805, G replaced by A.
Protein change: p.Glu269Lys; replaces glutamic acid 269 with lysine.
Molecular consequence: missense variant.
Genome position (GRCh38, 1-based): chr19:2,435,051, C>T on the plus strand (G>A on the coding strand, the complement: LMNB2 is on the minus strand). VCF-style: chr19-2435051-C-T. GRCh37 (hg19) VCF-style: chr19-2435049-C-T.
Other names: short protein forms E269K.
Identifiers: ClinVar variation 1361659 (VCV001361659.36), dbSNP rs201457236, ClinGen allele CA9067752.

ClinVar aggregate classification (germline): Uncertain significance. Review status: criteria provided, multiple submitters, no conflicts (2 of 4 stars). 2 submissions from 2 submitters: Uncertain significance (2). Last evaluated 2023-11-27.

Conditions:
Lipodystrophy, partial, acquired, susceptibility to (APLD). Also called: APLD, SUSCEPTIBILITY TO. Identifiers: MedGen C3887501, MONDO:0100476, OMIM 608709.
Progressive myoclonic epilepsy type 9. Identifiers: Orphanet 457265, MedGen C4225289, MONDO:0014685, OMIM 616540.

Allele frequency attached by ClinVar (database versions not stated): TOPMed below 0.00001; gnomAD 0.00001; gnomAD exomes 0.00001 and 0.00002; ExAC 0.00003; 1000 Genomes Project 30x 0.00016; 1000 Genomes Project 0.00020.
gnomAD v4.1: 19 of 1,610,504 alleles (0.0012%); highest among the groups gnomAD compares: Non-Finnish European, 0.0012%; no homozygotes.

Submissions (3):

Labcorp Genetics (formerly Invitae), Labcorp
Classification: Uncertain significance for Progressive myoclonic epilepsy type 9; Lipodystrophy, partial, acquired, susceptibility to. Last evaluated: 2023-11-27. Review status: criteria provided, single submitter. Criteria: Invitae Variant Classification Sherloc (09022015). Collection method: clinical testing. Allele origin: germline.
Comment: This sequence change replaces glutamic acid, which is acidic and polar, with lysine, which is basic and polar, at codon 269 of the LMNB2 protein (p.Glu269Lys). This variant is present in population databases (rs201457236, gnomAD 0.005%). This variant has not been reported in the literature in individuals affected with LMNB2-related conditions. ClinVar contains an entry for this variant (Variation ID: 1361659). Advanced modeling of protein sequence and biophysical properties (such as structural, functional, and spatial information, amino acid conservation, physicochemical variation, residue mobility, and thermodynamic stability) performed at Invitae indicates that this missense variant is not expected to disrupt LMNB2 protein function with a negative predictive value of 80%. In summary, the available evidence is currently insufficient to determine the role of this variant in disease. Therefore, it has been classified as a Variant of Uncertain Significance.

CeGaT Center for Human Genetics Tuebingen
Classification: Uncertain significance. Last evaluated: 2023-03-01. Review status: criteria provided, single submitter. Criteria: CeGaT Center For Human Genetics Tuebingen Variant Classification Criteria Version 2. Collection method: clinical testing. Allele origin: germline. Affected: yes. Observed: 1 variant allele.

Dr. Peter K. Rogan Lab, Western University
No classification provided (evidence only). Condition: Nonpapillary renal cell carcinoma. Review status: no classification provided. Collection method: in vitro. Allele origin: not applicable. Functional consequence: retained intron. Not counted in ClinVar's aggregate classification.